The following is an entry in ClinVar:

NM_001128.6(AP1G1):c.2344A>G (p.Ile782Val)

Gene: AP1G1 (adaptor related protein complex 1 subunit gamma 1; minus strand). Cytogenetic location: 16q22.2.
Variant type: single nucleotide variant.
Coding change: c.2344A>G on transcript NM_001128.6 (MANE Select); coding-DNA position 2344, A replaced by G.
Protein change: p.Ile782Val; replaces isoleucine 782 with valine.
Molecular consequence: missense variant.
Genome position (GRCh38, 1-based): chr16:71,734,632, T>C on the plus strand (A>G on the coding strand, the complement: AP1G1 is on the minus strand). VCF-style: chr16-71734632-T-C. GRCh37 (hg19) VCF-style: chr16-71768535-T-C.
Other names: c.2353A>G, p.Ile785Val (NM_001030007.2); short protein forms I782V, I785V.
Identifiers: ClinVar variation 3391572 (VCV003391572.1).

ClinVar aggregate classification (germline): Uncertain significance (1 of 4 stars; one submission).

Submission:

GeneDx
Classification: Uncertain significance. Last evaluated: 2024-06-14. Review status: criteria provided, single submitter. Criteria: GeneDx Variant Classification Process June 2021. Collection method: clinical testing. Allele origin: germline. Affected: yes.
Comment: Not observed at significant frequency in large population cohorts (gnomAD); In silico analysis indicates that this missense variant does not alter protein structure/function; Has not been previously published as pathogenic or benign to our knowledge